The following is an entry in ClinVar:

NM_000052.7(ATP7A):c.392C>G (p.Pro131Arg)

Gene: ATP7A (ATPase copper transporting alpha; plus strand). Cytogenetic location: Xq21.1.
Variant type: single nucleotide variant.
Coding change: c.392C>G on transcript NM_000052.7 (MANE Select); coding-DNA position 392, C replaced by G.
Protein change: p.Pro131Arg; replaces proline 131 with arginine.
Molecular consequence: missense variant.
Genome position (GRCh38, 1-based): chrX:77,988,513, C>G. VCF-style: chrX-77988513-C-G. GRCh37 (hg19) VCF-style: chrX-77244009-C-G.
Other names: c.392C>G, p.Pro131Arg (NM_001282224.2); short protein forms P131R.
Identifiers: ClinVar variation 2499767 (VCV002499767.2), dbSNP rs2522289917, ClinGen allele CA413599708.
Genomic context (GRCh38, chrX:77,988,513, plus strand): 5'-AGGGTGTGACAGACATTAAAATTTACCCTCAGAAAAGAACTGTAGCAGTGACAATAATCC[C>G]TTCTATAGTGAATGCCAATCAGATAAAAGAGCTGGTTCCAGAACTCAGTTTAGATACTGG-3'
Protein context (NP_000043.4, residues 121-141): QKRTVAVTII[Pro131Arg]SIVNANQIKE

ClinVar aggregate classification (germline): Uncertain significance. Review status: criteria provided, multiple submitters, no conflicts (2 of 4 stars). 2 submissions from 2 submitters: Uncertain significance (2). Last evaluated 2025-05-07.

Conditions:
X-linked distal spinal muscular atrophy type 3. Also called: ATP7A-Related Distal Motor Neuropathy; NEURONOPATHY, DISTAL HEREDITARY MOTOR, X-LINKED; NEUROPATHY, DISTAL HEREDITARY MOTOR, X-LINKED; SPINAL MUSCULAR ATROPHY, DISTAL, X-LINKED RECESSIVE. Identifiers: Orphanet 139557, MedGen C1845359, MONDO:0010338, OMIM 300489.
Cutis laxa, X-linked (OHS). Also called: EDS IX; Occipital horn syndrome. Identifiers: Orphanet 198, MedGen C0268353, MONDO:0010572, OMIM 304150.
Menkes kinky-hair syndrome (MNK). Also called: Classic Menkes Disease; Copper transport disease; Menkes Disease. Identifiers: Orphanet 565, MedGen C0022716, MONDO:0010651, OMIM 309400.

Submissions (2):

Labcorp Genetics (formerly Invitae), Labcorp
Classification: Uncertain significance for X-linked distal spinal muscular atrophy type 3; Cutis laxa, X-linked; Menkes kinky-hair syndrome. Last evaluated: 2025-05-07. Review status: criteria provided, single submitter. Criteria: Invitae Variant Classification Sherloc (09022015). Collection method: clinical testing. Allele origin: germline.
Comment: This sequence change replaces proline, which is neutral and non-polar, with arginine, which is basic and polar, at codon 131 of the ATP7A protein (p.Pro131Arg). This variant is not present in population databases (gnomAD no frequency). This variant has not been reported in the literature in individuals affected with ATP7A-related conditions. ClinVar contains an entry for this variant (Variation ID: 2499767). Invitae Evidence Modeling of protein sequence and biophysical properties (such as structural, functional, and spatial information, amino acid conservation, physicochemical variation, residue mobility, and thermodynamic stability) indicates that this missense variant is not expected to disrupt ATP7A protein function with a negative predictive value of 95%. In summary, the available evidence is currently insufficient to determine the role of this variant in disease. Therefore, it has been classified as a Variant of Uncertain Significance.

GeneDx
Classification: Uncertain significance. Last evaluated: 2022-10-21. Review status: criteria provided, single submitter. Criteria: GeneDx Variant Classification Process June 2021. Collection method: clinical testing. Allele origin: germline. Affected: yes.
Comment: Not observed at significant frequency in large population cohorts (gnomAD); In silico analysis supports that this missense variant has a deleterious effect on protein structure/function; Has not been previously published as pathogenic or benign to our knowledge